The following is an entry in ClinVar:

NM_001349798.2(FBXW7):c.1394G>A (p.Arg465His)

Gene: FBXW7 (F-box and WD repeat domain containing 7; minus strand). Cytogenetic location: 4q31.3.
Variant type: single nucleotide variant.
Coding change: c.1394G>A on transcript NM_001349798.2 (MANE Select); coding-DNA position 1394, G replaced by A.
Protein change: p.Arg465His; replaces arginine 465 with histidine.
Molecular consequence: missense variant.
Genome position (GRCh38, 1-based): chr4:152,328,232, C>T on the plus strand (G>A on the coding strand, the complement: FBXW7 is on the minus strand). VCF-style: chr4-152328232-C-T. GRCh37 (hg19) VCF-style: chr4-153249384-C-T.
Other names: c.1154G>A, p.Arg385His (LRG_1141t2, NM_018315.5); c.1040G>A, p.Arg347His (LRG_1141t3, NM_001013415.2); c.1394G>A, p.Arg465His (LRG_1141t1, NM_033632.3); short protein forms R465H, R347H, R385H.
Identifiers: ClinVar variation 4530533 (VCV004530533.2), dbSNP rs1057519895.
Genomic context (GRCh38, chr4:152,328,232, plus strand): 5'-GGAAGAAGTCCCAACCATGACAAGATTTTCCCTTACCTTTTTTCATGAAGATGCATACAA[C>T]GCACAGTGGAAGTATGCCCATATAAGGTGTGTATACATTCTCCAGTCTCTGCATTCCACA-3'
Protein context (NP_001336727.1, residues 455-475): HTLYGHTSTV[Arg465His]CMHLHEKRVV

ClinVar aggregate classification (somatic clinical impact): Tier I - Strong. Review status: criteria provided, single submitter (1 of 4 stars). 3 submissions from 1 submitter. 2 of the submissions do not count toward it. Last evaluated 2023-01-09.
ClinVar aggregate classification (oncogenicity): Oncogenic (1 of 4 stars; one submission).

Conditions:
Medulloblastoma non-WNT/non-SHH. Identifiers: MedGen C4330667, MONDO:0850198.
Embryonal rhabdomyosarcoma (ERMS). Also called: Botryoid rhabdomyosarcoma (type of ERMS); Spindle cell rhabdomyosarcomas (type of ERMS). Identifiers: Orphanet 99757, MedGen C0206656, MONDO:0009993, HP:0006743.
Diffuse pediatric-type high-grade glioma, H3-wildtype and IDH-wildtype. Identifiers: MedGen C5669918, MONDO:0858939.
Neoplasm. Also called: Neoplasms; Neoplasm (disease); tumor. Identifiers: MedGen C0027651, MeSH D009369, MONDO:0005070, HP:0002664.

Submissions (4):

Center for Genomic Medicine, Rigshospitalet, Copenhagen University Hospital
Classification: Oncogenic for Neoplasm. Last evaluated: 2025-12-29. Review status: criteria provided, single submitter. Criteria: ClinGen/CGC/VICC Guidelines for Oncogenicity, 2022. Collection method: clinical testing. Allele origin: somatic. Affected: yes.

Institute for Genomic Medicine (IGM) Clinical Laboratory, Nationwide Children's Hospital
Classification: Tier II - Potential for Medulloblastoma non-WNT/non-SHH. Assertion type: diagnostic. Clinical significance: supports diagnosis. Last evaluated: 2024-11-27. Review status: criteria provided, single submitter. Criteria: AMP/ASCO/CAP Guidelines, 2017. Collection method: clinical testing. Allele origin: somatic. Affected: yes. Not counted in ClinVar's aggregate classification.
Comment: Variant has Tier II (potential) clinical significance as a diagnostic inclusion criterion in medulloblastoma non-WNT/non-SHH, based on the following evidence: 1) Documented in one or more cancer databases (e.g., St. Jude Pecan, COSMIC, CIViC, OncoKB). 2) Information in the literature supports potential biologic effect of variant (PMIDs: 28963353, 17575125). 3) Diagnostic significance based on multiple small studies (Evidence Level C; PMIDs: 28726821, 33502920, 33741928).

Institute for Genomic Medicine (IGM) Clinical Laboratory, Nationwide Children's Hospital
Classification: Tier II - Potential for Diffuse pediatric-type high-grade glioma, H3-wildtype and IDH-wildtype. Assertion type: diagnostic. Clinical significance: supports diagnosis. Last evaluated: 2023-08-01. Review status: criteria provided, single submitter. Criteria: AMP/ASCO/CAP Guidelines, 2017. Collection method: clinical testing. Allele origin: somatic. Affected: yes. Not counted in ClinVar's aggregate classification.
Comment: Variant has Tier II (potential) clinical significance as a diagnostic inclusion criterion in diffuse pediatric-type high-grade glioma, H3-wildtype and IDH-wildtype, based on the following evidence: 1) Documented in one or more cancer databases (e.g., St. Jude Pecan, COSMIC, CIViC, OncoKB). 2) Appears in one or more well-established professional guidelines (e.g., World Health Organization [WHO]; National Comprehensive Cancer Network [NCCN]) as providing diagnostic, prognostic, or therapeutic information. 3) Information in the literature supports potential biologic effect of variant (PMIDs: 28963353, 17575125, 23228967, 17909001). 4) Diagnostic significance based on multiple small studies (Evidence Level C; PMID: 28966033).

Institute for Genomic Medicine (IGM) Clinical Laboratory, Nationwide Children's Hospital
Classification: Tier I - Strong for Embryonal rhabdomyosarcoma. Assertion type: diagnostic. Clinical significance: supports diagnosis. Last evaluated: 2023-01-09. Review status: criteria provided, single submitter. Criteria: AMP/ASCO/CAP Guidelines, 2017. Collection method: clinical testing. Allele origin: somatic. Affected: yes.
Comment: Variant has Tier I (strong) clinical significance as a diagnostic inclusion criterion in embryonal rhabdomyosarcoma, based on the following evidence: 1) Documented in one or more cancer databases (e.g., St. Jude Pecan, COSMIC, CIViC, OncoKB). 2) Appears in one or more well-established professional guidelines (e.g., World Health Organization [WHO]; National Comprehensive Cancer Network [NCCN]) as providing diagnostic, prognostic, or therapeutic information. 3) Information in the literature supports potential biologic effect of variant (PMIDs: 22608923, 17575125, 17909001). 4) Diagnostic for a specific tumor type/classification based on well-powered studies with expert-level consensus (Evidence Level B; PMIDs: 24436047, 34166060, 25768946).

Literature cited by the submitters: PubMed 17646409 (cited by Center for Genomic Medicine, Rigshospitalet, Copenhagen University Hospital); PubMed 28963353 (cited by Center for Genomic Medicine, Rigshospitalet, Copenhagen University Hospital and Institute for Genomic Medicine (IGM) Clinical Laboratory, Nationwide Children's Hospital); PubMed 17575125 (cited by Institute for Genomic Medicine (IGM) Clinical Laboratory, Nationwide Children's Hospital); PubMed 28726821 (cited by Institute for Genomic Medicine (IGM) Clinical Laboratory, Nationwide Children's Hospital); PubMed 33502920 (cited by Institute for Genomic Medicine (IGM) Clinical Laboratory, Nationwide Children's Hospital); PubMed 33741928 (cited by Institute for Genomic Medicine (IGM) Clinical Laboratory, Nationwide Children's Hospital); PubMed 23228967 (cited by Institute for Genomic Medicine (IGM) Clinical Laboratory, Nationwide Children's Hospital); PubMed 17909001 (cited by Institute for Genomic Medicine (IGM) Clinical Laboratory, Nationwide Children's Hospital); PubMed 28966033 (cited by Institute for Genomic Medicine (IGM) Clinical Laboratory, Nationwide Children's Hospital); PubMed 22608923 (cited by Institute for Genomic Medicine (IGM) Clinical Laboratory, Nationwide Children's Hospital); PubMed 24436047 (cited by Institute for Genomic Medicine (IGM) Clinical Laboratory, Nationwide Children's Hospital); PubMed 34166060 (cited by Institute for Genomic Medicine (IGM) Clinical Laboratory, Nationwide Children's Hospital); PubMed 25768946 (cited by Institute for Genomic Medicine (IGM) Clinical Laboratory, Nationwide Children's Hospital).